The following is an entry in ClinVar:

NM_032737.4(LMNB2):c.29G>T (p.Arg10Leu)

Genes: LMNB2 (lamin B2; minus strand), LOC130063066 (ATAC-STARR-seq lymphoblastoid silent region 9792; plus strand). Cytogenetic location: 19p13.3.
Variant type: single nucleotide variant.
Coding change: c.29G>T on transcript NM_032737.4 (MANE Select); coding-DNA position 29, G replaced by T.
Protein change: p.Arg10Leu; replaces arginine 10 with leucine.
Molecular consequence: missense variant.
Genome position (GRCh38, 1-based): chr19:2,456,905, C>A on the plus strand (G>T on the coding strand, the complement: LMNB2 is on the minus strand). VCF-style: chr19-2456905-C-A. GRCh37 (hg19) VCF-style: chr19-2456903-C-A.
Other names: short protein forms R10L.
Identifiers: ClinVar variation 1364602 (VCV001364602.6), dbSNP rs984068789, ClinGen allele CA403260200.
Genomic context (GRCh38, chr19:2,456,905, plus strand): 5'-CCCGCGCGGCCGGGCAGCGGCGTGGCCATGGTGGCGGCGGCTCGCGGCCTGCGCTGCTCC[C>A]GACGGCGGCCCGGGCTCGGCGGGCTCATTCAATCCGCGCCGCCGGCTGCAAGATGGCGCC-3'
Protein context (NP_116126.3, residues 1-20): MSPPSPGRR[Arg10Leu]EQRRPRAAAT

ClinVar aggregate classification (germline): Uncertain significance (1 of 4 stars; one submission).

Conditions:
Progressive myoclonic epilepsy type 9. Identifiers: Orphanet 457265, MedGen C4225289, MONDO:0014685, OMIM 616540.
Lipodystrophy, partial, acquired, susceptibility to (APLD). Also called: APLD, SUSCEPTIBILITY TO. Identifiers: MedGen C3887501, MONDO:0100476, OMIM 608709.

gnomAD v4.1: 2 of 1,008,912 alleles (0.0002%); highest among the groups gnomAD compares: Non-Finnish European, 0.00024%; no homozygotes.

Submission:

Labcorp Genetics (formerly Invitae), Labcorp
Classification: Uncertain significance for Progressive myoclonic epilepsy type 9; Lipodystrophy, partial, acquired, susceptibility to. Last evaluated: 2021-12-14. Review status: criteria provided, single submitter. Criteria: Invitae Variant Classification Sherloc (09022015). Collection method: clinical testing. Allele origin: germline.
Comment: In summary, the available evidence is currently insufficient to determine the role of this variant in disease. Therefore, it has been classified as a Variant of Uncertain Significance. Algorithms developed to predict the effect of missense changes on protein structure and function are either unavailable or do not agree on the potential impact of this missense change (SIFT: "Tolerated"; PolyPhen-2: "Not Available"; Align-GVGD: "Class C0"). This variant has not been reported in the literature in individuals affected with LMNB2-related conditions. The frequency data for this variant in the population databases is considered unreliable, as metrics indicate insufficient coverage at this position in the gnomAD database. This sequence change replaces arginine, which is basic and polar, with leucine, which is neutral and non-polar, at codon 10 of the LMNB2 protein (p.Arg10Leu).